The following is an entry in ClinVar:

ClinVar aggregate classification (germline): Uncertain significance. Review status: criteria provided, multiple submitters, no conflicts (2 of 4 stars). 3 submissions from 3 submitters: Uncertain significance (3). Last evaluated 2024-08-30.

Conditions:
Neuropathy, hereditary sensory, type 1F. Also called: HSN IF; Hereditary sensory neuropathy type IF. Identifiers: Orphanet 36386, MedGen C3810194, MONDO:0014286, OMIM 615632.

Allele frequency attached by ClinVar (database versions not stated): ESP Exome Variant Server 0.00026; gnomAD exomes 0.00005; 1000 Genomes Project 30x 0.00031; 1000 Genomes Project 0.00040; ExAC 0.00006; TOPMed 0.00012; gnomAD 0.00013 and 0.00015.
gnomAD v4.1: 41 of 1,604,408 alleles (0.0026%); highest among the groups gnomAD compares: African/African-American, 0.038%; no homozygotes.

Submissions (3):

Labcorp Genetics (formerly Invitae), Labcorp
Classification: Uncertain significance for Neuropathy, hereditary sensory, type 1F. Last evaluated: 2024-08-30. Review status: criteria provided, single submitter. Criteria: Invitae Variant Classification Sherloc (09022015). Collection method: clinical testing. Allele origin: germline.
Comment: This sequence change replaces arginine, which is basic and polar, with cysteine, which is neutral and slightly polar, at codon 194 of the ATL3 protein (p.Arg194Cys). This variant is present in population databases (rs372986534, gnomAD 0.06%), and has an allele count higher than expected for a pathogenic variant. This variant has not been reported in the literature in individuals affected with ATL3-related conditions. ClinVar contains an entry for this variant (Variation ID: 871580). Invitae Evidence Modeling of protein sequence and biophysical properties (such as structural, functional, and spatial information, amino acid conservation, physicochemical variation, residue mobility, and thermodynamic stability) indicates that this missense variant is expected to disrupt ATL3 protein function with a positive predictive value of 80%. In summary, the available evidence is currently insufficient to determine the role of this variant in disease. Therefore, it has been classified as a Variant of Uncertain Significance.

Women's Health and Genetics/Laboratory Corporation of America, LabCorp
Classification: Uncertain significance. Last evaluated: 2023-10-25. Review status: criteria provided, single submitter. Criteria: LabCorp Variant Classification Summary - May 2015. Collection method: clinical testing. Allele origin: germline.
Comment: Variant summary: ATL3 c.580C>T (p.Arg194Cys) results in a non-conservative amino acid change in the encoded protein sequence. Five of five in-silico tools predict a damaging effect of the variant on protein function. The variant allele was found at a frequency of 4.5e-05 in 244098 control chromosomes (gnomAD). To our knowledge, no occurrence of c.580C>T in individuals affected with Neuropathy, Hereditary Sensory, Type 1F and no experimental evidence demonstrating its impact on protein function have been reported. Two submitters have cited clinical-significance assessments for this variant to ClinVar after 2014. Both submitters classified the variant as uncertain significance. Based on the evidence outlined above, the variant was classified as uncertain significance.

CeGaT Center for Human Genetics Tuebingen
Classification: Uncertain significance. Last evaluated: 2019-10-01. Review status: criteria provided, single submitter. Criteria: CeGaT Center For Human Genetics Tuebingen Variant Classification Criteria Version 2. Collection method: clinical testing. Allele origin: germline. Affected: yes. Observed: 1 variant allele.

NM_015459.5(ATL3):c.580C>T (p.Arg194Cys)

Genes: ATL3 (atlastin GTPase 3; minus strand), LNCROPM (lncRNA regulator of PLAAT3 mediated phospholipid metabolism; plus strand). Cytogenetic location: 11q13.1.
Variant type: single nucleotide variant.
Coding change: c.580C>T on transcript NM_015459.5 (MANE Select); coding-DNA position 580, C replaced by T.
Protein change: p.Arg194Cys; replaces arginine 194 with cysteine.
Molecular consequence: missense variant.
Genome position (GRCh38, 1-based): chr11:63,646,545, G>A on the plus strand (C>T on the coding strand, the complement: ATL3 is on the minus strand). VCF-style: chr11-63646545-G-A. GRCh37 (hg19) VCF-style: chr11-63414017-G-A.
Other names: c.526C>T, p.Arg176Cys (NM_001290048.2); short protein forms R176C, R194C.
Identifiers: ClinVar variation 871580 (VCV000871580.46), dbSNP rs372986534, ClinGen allele CA6063743.